The following is an entry in ClinVar:

NM_020435.4(GJC2):c.373C>G (p.Arg125Gly)

Gene: GJC2 (gap junction protein gamma 2; plus strand). Cytogenetic location: 1q42.13.
Variant type: single nucleotide variant.
Coding change: c.373C>G on transcript NM_020435.4 (MANE Select); coding-DNA position 373, C replaced by G.
Protein change: p.Arg125Gly; replaces arginine 125 with glycine.
Molecular consequence: missense variant.
Genome position (GRCh38, 1-based): chr1:228,158,131, C>G. VCF-style: chr1-228158131-C-G. GRCh37 (hg19) VCF-style: chr1-228345832-C-G.
Other names: c.373C>G (NM_020435.3); short protein forms R125G.
Identifiers: ClinVar variation 3600424 (VCV003600424.2).

ClinVar aggregate classification (germline): Uncertain significance. Review status: criteria provided, multiple submitters, no conflicts (2 of 4 stars). 2 submissions from 2 submitters: Uncertain significance (2). Last evaluated 2025-12-08.

Conditions:
Inborn genetic diseases. Identifiers: MedGen C0950123, MeSH D030342.
Lymphatic malformation 3 (LMPHM3). Identifiers: Orphanet 79452, MedGen C4747646, MONDO:0013278, OMIM 613480.

gnomAD v4.1: 7 of 1,254,048 alleles (0.00056%); highest among the groups gnomAD compares: South Asian, 0.0023%; no homozygotes.

Submissions (2):

Ambry Genetics
Classification: Uncertain significance for Inborn genetic diseases. Last evaluated: 2025-12-08. Review status: criteria provided, single submitter. Criteria: Ambry Variant Classification Scheme 2023. Collection method: clinical testing. Allele origin: germline.

Clinical Genomics Laboratory, Washington University in St. Louis
Classification: Uncertain significance for Lymphatic malformation 3. Last evaluated: 2024-05-30. Review status: criteria provided, single submitter. Criteria: ACMG Guidelines, 2015. Collection method: clinical testing. Allele origin: germline.
Comment: A GJC2 c.373C>G p.Arg125Gly variant was identified at a heterozygous allelic fraction of 53.5%, a frequency which may be consistent with germline origin. This variant, to our knowledge, has not been reported in the medical literature. It is only observed on 7/1,254,048 alleles in the general population (gnomAD v.4.1.0), indicating it is not a common variant. Computational predictors are uncertain as to the impact of this variant on GJC2 function. Due to limited information, and based on ACMG/AMP guidelines for variant interpretation (Richards S et al., PMID: 25741868), the clinical significance of this variant is uncertain at this time.